The following is an entry in ClinVar:

NM_001903.5(CTNNA1):c.1846del (p.Arg616fs)

Gene: CTNNA1 (catenin alpha 1; plus strand). Cytogenetic location: 5q31.2.
Variant type: Deletion.
Coding change: c.1846del on transcript NM_001903.5 (MANE Select); coding-DNA position 1846, one base deleted (C; older notation c.1846delC).
Protein change: p.Arg616fs; shifts the reading frame from arginine 616.
Molecular consequence: frameshift variant.
Genome position (GRCh38, 1-based): chr5:138,925,354, C deleted; the last of 3 consecutive C bases (chr5:138,925,352-138,925,354); deleting any one gives the same sequence. VCF-style (leftmost placement, unchanged base first): chr5-138925351-TC-T. GRCh37 (hg19) VCF-style: chr5-138261040-TC-T.
Other names: c.1846del, p.Arg616fs (NM_001290307.3, NM_001323982.2, NM_001323983.1 and 2 more transcripts); c.1537del, p.Arg513fs (NM_001290309.3); c.1477del, p.Arg493fs (NM_001290310.3); c.736del, p.Arg246fs (NM_001290312.1, NM_001323987.1, NM_001323988.1 and 17 more transcripts); c.1753del, p.Arg585fs (NM_001323986.2); c.397del, p.Arg133fs (NM_001324006.1, NM_001324007.1, NM_001324008.1 and 2 more transcripts); c.643del, p.Arg215fs (NM_001324011.1); c.493del, p.Arg165fs (NM_001324012.1, NM_001324013.1); short protein forms R133fs, R165fs, R616fs, R493fs, R513fs, R585fs, R215fs, R246fs.
Identifiers: ClinVar variation 2707339 (VCV002707339.4), dbSNP rs1235378407, ClinGen allele CA563296491.
Genomic context (GRCh38, chr5:138,925,351, plus strand): 5'-GTGGAAGCCCTCAGCTCGGACCCTGCCCAGCCCATGGATGAGAATGAGTTTATCGATGCT[TC>T]CCGCCTGGTATATGATGGCATCCGGGACATCAGGAAAGCAGTGCTGATGATAAGGGTGAG-3'

ClinVar aggregate classification (germline): Pathogenic. Review status: criteria provided, multiple submitters, no conflicts (2 of 4 stars). 2 submissions from 2 submitters: Pathogenic (2). Last evaluated 2025-06-07.

Submissions (2):

Dasa
Classification: Pathogenic. Last evaluated: 2025-06-07. Review status: criteria provided, single submitter. Criteria: DASA Assertion Criteria. Collection method: clinical testing. Allele origin: germline.
Comment: NM_001903.5(CTNNA1):c.1846del (p.Arg616Alafs*15) introduces a premature termination codon predicted to result in loss of normal protein function. Loss-of-function is an established mechanism of disease for this gene. This variant has been reported in individuals with related phenotype. The variant is present at low frequency in population datasets. Based on the available data, this variant is classified as pathogenic.

Labcorp Genetics (formerly Invitae), Labcorp
Classification: Pathogenic. Last evaluated: 2024-01-04. Review status: criteria provided, single submitter. Criteria: Invitae Variant Classification Sherloc (09022015). Collection method: clinical testing. Allele origin: germline.
Comment: This sequence change creates a premature translational stop signal (p.Arg616Alafs*15) in the CTNNA1 gene. It is expected to result in an absent or disrupted protein product. Loss-of-function variants in CTNNA1 are known to be pathogenic (PMID: 32051609, 34425242). This variant is present in population databases (no rsID available, gnomAD 0.003%). This variant has not been reported in the literature in individuals affected with CTNNA1-related conditions. For these reasons, this variant has been classified as Pathogenic.

Literature cited by the submitters: PubMed 32051609 (cited by Labcorp Genetics (formerly Invitae), Labcorp); PubMed 34425242 (cited by Labcorp Genetics (formerly Invitae), Labcorp).